The following is an entry in ClinVar:

NM_032383.5(HPS3):c.1330C>A (p.His444Asn)

Gene: HPS3 (HPS3 biogenesis of lysosomal organelles complex 2 subunit 1; plus strand). Cytogenetic location: 3q24.
Variant type: single nucleotide variant.
Coding change: c.1330C>A on transcript NM_032383.5 (MANE Select); coding-DNA position 1330, C replaced by A.
Protein change: p.His444Asn; replaces histidine 444 with asparagine.
Molecular consequence: missense variant.
Genome position (GRCh38, 1-based): chr3:149,153,578, C>A. VCF-style: chr3-149153578-C-A. GRCh37 (hg19) VCF-style: chr3-148871365-C-A.
Other names: p.His444Asn; c.835C>A, p.His279Asn (NM_001308258.2); short protein forms H444N, H279N.
Identifiers: ClinVar variation 900628 (VCV000900628.10), dbSNP rs138303522, ClinGen allele CA2660067.

ClinVar aggregate classification (germline): Uncertain significance. Review status: criteria provided, multiple submitters, no conflicts (2 of 4 stars). 6 submissions from 6 submitters: Uncertain significance (6). Last evaluated 2025-10-02.

Conditions:
Hermansky-Pudlak syndrome 3 (HPS3). Identifiers: Orphanet 231512, Orphanet 79430, MedGen C3888001, MONDO:0013555, OMIM 614072.
Inborn genetic diseases. Identifiers: MedGen C0950123, MeSH D030342.

Allele frequency attached by ClinVar (database versions not stated): ESP Exome Variant Server 0.00008; TOPMed 0.00009; gnomAD exomes 0.00011 and 0.00017; ExAC 0.00017; gnomAD 0.00026 and 0.00027; 1000 Genomes Project 30x 0.00031; 1000 Genomes Project 0.00040.
gnomAD v4.1: 199 of 1,614,034 alleles (0.012%); highest among the groups gnomAD compares: Admixed American, 0.02%; no homozygotes.

Submissions (6):

Ambry Genetics
Classification: Uncertain significance for Inborn genetic diseases. Last evaluated: 2025-10-02. Review status: criteria provided, single submitter. Criteria: Ambry Variant Classification Scheme 2023. Collection method: clinical testing. Allele origin: germline.

Blueprint Genetics
Classification: Uncertain significance. Last evaluated: 2024-11-08. Review status: criteria provided, single submitter. Criteria: ACMG Guidelines, 2015. Collection method: clinical testing. Allele origin: germline.

Mayo Clinic Laboratories, Mayo Clinic
Classification: Uncertain significance. Last evaluated: 2024-08-12. Review status: criteria provided, single submitter. Criteria: ACMG Guidelines, 2015. Collection method: clinical testing. Allele origin: germline. Observed: 1 variant allele.

Revvity Omics, Revvity
Classification: Uncertain significance for Hermansky-Pudlak syndrome 3. Last evaluated: 2023-07-25. Review status: criteria provided, single submitter. Criteria: ACMG Guidelines, 2015. Collection method: clinical testing. Allele origin: germline.

Labcorp Genetics (formerly Invitae), Labcorp
Classification: Uncertain significance. Last evaluated: 2022-10-25. Review status: criteria provided, single submitter. Criteria: Invitae Variant Classification Sherloc (09022015). Collection method: clinical testing. Allele origin: germline.
Comment: This sequence change replaces histidine, which is basic and polar, with asparagine, which is neutral and polar, at codon 444 of the HPS3 protein (p.His444Asn). This variant is present in population databases (rs138303522, gnomAD 0.05%). This variant has not been reported in the literature in individuals affected with HPS3-related conditions. ClinVar contains an entry for this variant (Variation ID: 900628). Advanced modeling of protein sequence and biophysical properties (such as structural, functional, and spatial information, amino acid conservation, physicochemical variation, residue mobility, and thermodynamic stability) has been performed at Invitae for this missense variant, however the output from this modeling did not meet the statistical confidence thresholds required to predict the impact of this variant on HPS3 protein function. In summary, the available evidence is currently insufficient to determine the role of this variant in disease. Therefore, it has been classified as a Variant of Uncertain Significance.

Illumina Laboratory Services, Illumina
Classification: Uncertain significance for Hermansky-Pudlak syndrome 3. Last evaluated: 2018-03-23. Review status: criteria provided, single submitter. Criteria: ICSL Variant Classification Criteria 13 December 2019. Collection method: clinical testing. Allele origin: germline.